The following is an entry in ClinVar:

NM_006343.3(MERTK):c.1165A>T (p.Asn389Tyr)

Gene: MERTK (MER proto-oncogene, tyrosine kinase; plus strand). Cytogenetic location: 2q13.
Variant type: single nucleotide variant.
Coding change: c.1165A>T on transcript NM_006343.3 (MANE Select); coding-DNA position 1165, A replaced by T.
Protein change: p.Asn389Tyr; replaces asparagine 389 with tyrosine.
Molecular consequence: missense variant.
Genome position (GRCh38, 1-based): chr2:111,982,862, A>T. VCF-style: chr2-111982862-A-T. GRCh37 (hg19) VCF-style: chr2-112740439-A-T.
Other names: short protein forms N389Y.
Identifiers: ClinVar variation 840008 (VCV000840008.11), dbSNP rs745396071, ClinGen allele CA1831291.

ClinVar aggregate classification (germline): Uncertain significance (1 of 4 stars; one submission).

Allele frequency attached by ClinVar (database versions not stated): gnomAD exomes below 0.00001 and 0.00001; ExAC 0.00001.
gnomAD v4.1: 4 of 1,614,090 alleles (0.00025%); highest among the groups gnomAD compares: South Asian, 0.0044%; no homozygotes.

Submission:

Labcorp Genetics (formerly Invitae), Labcorp
Classification: Uncertain significance. Last evaluated: 2022-05-25. Review status: criteria provided, single submitter. Criteria: Invitae Variant Classification Sherloc (09022015). Collection method: clinical testing. Allele origin: germline.
Comment: In summary, the available evidence is currently insufficient to determine the role of this variant in disease. Therefore, it has been classified as a Variant of Uncertain Significance. Algorithms developed to predict the effect of missense changes on protein structure and function (SIFT, PolyPhen-2, Align-GVGD) all suggest that this variant is likely to be disruptive. ClinVar contains an entry for this variant (Variation ID: 840008). This variant has not been reported in the literature in individuals affected with MERTK-related conditions. This variant is present in population databases (rs745396071, gnomAD 0.01%). This sequence change replaces asparagine, which is neutral and polar, with tyrosine, which is neutral and polar, at codon 389 of the MERTK protein (p.Asn389Tyr).